The following is an entry in ClinVar:

ClinVar aggregate classification (germline): Uncertain significance. Review status: criteria provided, multiple submitters, no conflicts (2 of 4 stars). 3 submissions from 3 submitters: Uncertain significance (3). Last evaluated 2025-12-09.

Conditions:
Hereditary cancer-predisposing syndrome. Also called: Neoplastic Syndromes, Hereditary; Tumor predisposition; Hereditary Cancer Syndrome; Hereditary neoplastic syndrome. Identifiers: Orphanet 140162, MedGen C0027672, MeSH D009386, MONDO:0015356.
Hereditary breast ovarian cancer syndrome. Also called: Hereditary breast and ovarian cancer syndrome; Hereditary breast and/or ovarian cancer syndrome; Hereditary breast and ovarian cancer; Hereditary breast and ovarian cancer syndrome (HBOC); BRCA1- and BRCA2-Associated Hereditary Breast and Ovarian Cancer; Breast and ovarian cancer. Identifiers: Orphanet 145, MedGen C0677776, MeSH D061325, MONDO:0003582. Disease mechanism: loss of function.

Submissions (3):

Labcorp Genetics (formerly Invitae), Labcorp
Classification: Uncertain significance for Hereditary breast ovarian cancer syndrome. Last evaluated: 2025-12-09. Review status: criteria provided, single submitter. Criteria: Invitae Variant Classification Sherloc (09022015). Collection method: clinical testing. Allele origin: germline.
Comment: This sequence change replaces phenylalanine, which is neutral and non-polar, with leucine, which is neutral and non-polar, at codon 1273 of the BRCA2 protein (p.Phe1273Leu). This variant is not present in population databases (gnomAD no frequency). This variant has not been reported in the literature in individuals affected with BRCA2-related conditions. ClinVar contains an entry for this variant (Variation ID: 3896021). Invitae Evidence Modeling of protein sequence and biophysical properties (such as structural, functional, and spatial information, amino acid conservation, physicochemical variation, residue mobility, and thermodynamic stability) indicates that this missense variant is not expected to disrupt BRCA2 protein function with a negative predictive value of 95%. In summary, the available evidence is currently insufficient to determine the role of this variant in disease. Therefore, it has been classified as a Variant of Uncertain Significance.

Ambry Genetics
Classification: Uncertain significance for Hereditary cancer-predisposing syndrome. Last evaluated: 2025-07-09. Review status: criteria provided, single submitter. Criteria: Ambry Variant Classification Scheme 2023. Collection method: clinical testing. Allele origin: germline.
Comment: The p.F1273L variant (also known as c.3819T>A), located in coding exon 10 of the BRCA2 gene, results from a T to A substitution at nucleotide position 3819. The phenylalanine at codon 1273 is replaced by leucine, an amino acid with highly similar properties. This amino acid position is not well conserved in available vertebrate species. In addition, this alteration is predicted to be tolerated by in silico analysis. Based on the available evidence, the clinical significance of this variant remains unclear.

Women's Health and Genetics/Laboratory Corporation of America, LabCorp
Classification: Uncertain significance. Last evaluated: 2025-03-22. Review status: criteria provided, single submitter. Criteria: LabCorp Variant Classification Summary - May 2015. Collection method: clinical testing. Allele origin: germline.

NM_000059.4(BRCA2):c.3819T>A (p.Phe1273Leu)

Gene: BRCA2 (BRCA2 DNA repair associated; plus strand). Cytogenetic location: 13q13.1.
Variant type: single nucleotide variant.
Coding change: c.3819T>A on transcript NM_000059.4 (MANE Select); coding-DNA position 3819, T replaced by A.
Protein change: p.Phe1273Leu; replaces phenylalanine 1273 with leucine.
Molecular consequence: missense variant. On other transcripts: non-coding transcript variant (1), intron variant (2).
Genome position (GRCh38, 1-based): chr13:32,338,174, T>A. VCF-style: chr13-32338174-T-A. GRCh37 (hg19) VCF-style: chr13-32912311-T-A.
Other names: c.3819T>A, p.Phe1273Leu (NM_001406719.1, NM_001406720.1, NM_001432077.1); c.1909+4787T>A (NM_001406721.1); c.425-6384T>A (NM_001406722.1); short protein forms F1273L.
Identifiers: ClinVar variation 3896021 (VCV003896021.3).